The following is an entry in ClinVar:

ClinVar aggregate classification (germline): Uncertain significance (1 of 4 stars; one submission).

Submission:

Ambry Genetics
Classification: Uncertain significance. Last evaluated: 2021-10-31. Review status: criteria provided, single submitter. Criteria: Ambry Variant Classification Scheme 2023. Collection method: clinical testing. Allele origin: germline.
Comment: The p.G79D variant (also known as c.236G>A), located in coding exon 1 of the EGLN2 gene, results from a G to A substitution at nucleotide position 236. The glycine at codon 79 is replaced by aspartic acid, an amino acid with similar properties. This amino acid position is conserved. In addition, this alteration is predicted to be tolerated by in silico analysis. Since supporting evidence is limited at this time, the clinical significance of this alteration remains unclear.

NM_080732.4(EGLN2):c.236G>A (p.Gly79Asp)

Genes: EGLN2 (egl-9 family hypoxia inducible factor 2; plus strand), RAB4B-EGLN2 (RAB4B-EGLN2 readthrough (NMD candidate); plus strand). Cytogenetic location: 19q13.2.
Variant type: single nucleotide variant.
Coding change: c.236G>A on transcript NM_080732.4 (MANE Select); coding-DNA position 236, G replaced by A.
Protein change: p.Gly79Asp; replaces glycine 79 with aspartic acid.
Molecular consequence: missense variant. On other transcripts: non-coding transcript variant (1).
Genome position (GRCh38, 1-based): chr19:40,800,808, G>A. VCF-style: chr19-40800808-G-A. GRCh37 (hg19) VCF-style: chr19-41306713-G-A.
Other names: c.236G>A, p.Gly79Asp (NM_053046.4); short protein forms G79D.
Identifiers: ClinVar variation 1790271 (VCV001790271.2), dbSNP rs2515993264, ClinGen allele CA405954833.